The following is an entry in ClinVar:

NM_000153.4(GALC):c.179C>T (p.Ala60Val)

Genes: GALC (galactosylceramidase; minus strand), LOC130056217 (ATAC-STARR-seq lymphoblastoid silent region 5988; plus strand). Cytogenetic location: 14q31.3.
Variant type: single nucleotide variant.
Coding change: c.179C>T on transcript NM_000153.4 (MANE Select); coding-DNA position 179, C replaced by T.
Protein change: p.Ala60Val; replaces alanine 60 with valine.
Molecular consequence: missense variant. On other transcripts: intron variant (1).
Genome position (GRCh38, 1-based): chr14:87,992,986, G>A on the plus strand (C>T on the coding strand, the complement: GALC is on the minus strand). VCF-style: chr14-87992986-G-A. GRCh37 (hg19) VCF-style: chr14-88459330-G-A.
Other names: p.Ala60Val; c.179C>T, p.Ala60Val (NM_001201401.2); c.117+397C>T (NM_001201402.2); short protein forms A60V.
Identifiers: ClinVar variation 551142 (VCV000551142.4), dbSNP rs759110815, ClinGen allele CA7297492.

ClinVar aggregate classification (germline): Conflicting classifications of pathogenicity. Review status: criteria provided, conflicting classifications (1 of 4 stars). 3 submissions from 3 submitters: Likely pathogenic (1); Uncertain significance (1). 1 of the submissions does not count toward it. Last evaluated 2023-12-29.

Conditions:
Galactosylceramide beta-galactosidase deficiency. Also called: GALACTOCEREBROSIDASE DEFICIENCY; GALC DEFICIENCY; GLOBOID CELL LEUKOENCEPHALOPATHY; Leukodystrophy, Globoid Cell; Krabbe Disease. Identifiers: Orphanet 487, MedGen C0023521, MONDO:0009499, OMIM 245200.

Allele frequency attached by ClinVar (database versions not stated): gnomAD exomes below 0.00001 and 0.00002; TOPMed below 0.00001; ExAC 0.00006.
gnomAD v4.1: 5 of 1,528,218 alleles (0.00033%); highest among the groups gnomAD compares: Admixed American, 0.0019%; no homozygotes.

Submissions (3):

Fulgent Genetics
Classification: Uncertain significance for Galactosylceramide beta-galactosidase deficiency. Last evaluated: 2023-12-29. Review status: criteria provided, single submitter. Criteria: ACMG Guidelines, 2015. Collection method: clinical testing. Allele origin: germline.

Mayo Clinic Laboratories, Mayo Clinic
Classification: Likely pathogenic. Last evaluated: 2023-06-09. Review status: criteria provided, single submitter. Criteria: ACMG Guidelines, 2015. Collection method: clinical testing. Allele origin: germline. Observed: 1 variant allele.
Comment: PM2, PM5, PS3_moderate

Counsyl
Classification: Uncertain significance for Galactosylceramide beta-galactosidase deficiency. Last evaluated: 2017-03-16. Review status: no assertion criteria provided. Collection method: clinical testing. Allele origin: unknown. Not counted in ClinVar's aggregate classification.

Literature cited by the submitters: PubMed 26795590 (cited by Mayo Clinic Laboratories, Mayo Clinic and Counsyl); PubMed 27638593 (cited by Mayo Clinic Laboratories, Mayo Clinic).